The following is an entry in ClinVar:

Single allele

Genes: DEGS1 (delta 4-desaturase, sphingolipid 1; plus strand), LOC129932580 (ATAC-STARR-seq lymphoblastoid active region 2602; plus strand), LOC129932581 (ATAC-STARR-seq lymphoblastoid silent region 1850; plus strand), LOC129932582 (ATAC-STARR-seq lymphoblastoid active region 2603; plus strand). Cytogenetic location: 1q42.11.
Variant type: Deletion.
Identifiers: ClinVar variation 3770186 (VCV003770186.2).

ClinVar aggregate classification (germline): Pathogenic (1 of 4 stars; one submission).

Conditions:
Leukodystrophy, hypomyelinating, 18. Identifiers: MedGen C5193078, MONDO:0032730, OMIM 618404.

Submission:

Undiagnosed Diseases Network, NIH
Classification: Pathogenic for Leukodystrophy, hypomyelinating, 18. Last evaluated: 2024-07-02. Review status: criteria provided, single submitter. Criteria: ACMG Guidelines, 2015. Collection method: clinical testing. Allele origin: inherited. Inheritance: Autosomal recessive inheritance. Affected: yes. Observed: 1 homozygote. Study: Undiagnosed Diseases Network (NIH), UDN.
Comment: This 12.628 Kb deletion involves exons 2-3 of the DEGS1 gene. This copy number loss has not been reported in ClinVar. This copy number loss has not been observed in gnomAD. This deletion is predicted to result in loss of >90% of the DEGS1 protein product and cause nonsense-mediated decay (NMD) in a gene where loss-of-function is a known mechanism of disease (PMID: 30620337).

Literature cited by the submitters: PubMed 30620337.